The following is an entry in ClinVar:

NM_032638.5(GATA2):c.455G>A (p.Ser152Asn)

Gene: GATA2 (GATA binding protein 2; minus strand). Cytogenetic location: 3q21.3.
Variant type: single nucleotide variant.
Coding change: c.455G>A on transcript NM_032638.5 (MANE Select); coding-DNA position 455, G replaced by A.
Protein change: p.Ser152Asn; replaces serine 152 with asparagine.
Molecular consequence: missense variant.
Genome position (GRCh38, 1-based): chr3:128,486,143, C>T on the plus strand (G>A on the coding strand, the complement: GATA2 is on the minus strand). VCF-style: chr3-128486143-C-T. GRCh37 (hg19) VCF-style: chr3-128204986-C-T.
Other names: c.455G>A, p.Ser152Asn (NM_001145661.2, NM_001145662.1); short protein forms S152N.
Identifiers: ClinVar variation 650486 (VCV000650486.9), dbSNP rs1576748936, ClinGen allele CA354406720.
Genomic context (GRCh38, chr3:128,486,143, plus strand): 5'-CCGAAAAGGTGGGAGCCAGAGTGGGCTGCTGTAGGGGTGAGGGAGGCCACTGAGCTCCCG[C>T]TGCCTCCCCCGCTCCCACCCCCAGCCCCTGGGTACACAGAGAGTGGGCCTCCAGGGCCTC-3'
Protein context (NP_116027.2, residues 142-162): PGAGGGSGGG[Ser152Asn]GSSVASLTPT

ClinVar aggregate classification (germline): Uncertain significance. Review status: criteria provided, multiple submitters, no conflicts (2 of 4 stars). 2 submissions from 2 submitters: Uncertain significance (2). Last evaluated 2025-07-09.

Conditions:
Deafness-lymphedema-leukemia syndrome. Also called: Lymphedema, primary, with myelodysplasia; Emberger syndrome. Identifiers: Orphanet 3226, MedGen C3279664, MONDO:0013540, OMIM 614038.
Monocytopenia with susceptibility to infections. Also called: MONOCYTOPENIA AND MYCOBACTERIAL INFECTION SYNDROME; MONOCYTOPENIA WITH SUSCEPTIBILITY TO MYCOBACTERIAL, FUNGAL, AND PAPILLOMAVIRUS INFECTIONS AND MYELODYSPLASIA; COMBINED IMMUNODEFICIENCY WITH SUSCEPTIBILITY TO MYCOBACTERIAL, VIRAL, AND FUNGAL INFECTIONS; Dendritic cell, monocyte, B lymphocyte, and natural killer lymphocyte deficiency; IMMUNODEFICIENCY 21; GATA2 DEFICIENCY. Identifiers: Orphanet 228423, MedGen C3280030, MONDO:0013607, OMIM 614172.
Inborn genetic diseases. Identifiers: MedGen C0950123, MeSH D030342.

Allele frequency attached by ClinVar (database versions not stated): gnomAD exomes below 0.00001.

Submissions (2):

Ambry Genetics
Classification: Uncertain significance for Inborn genetic diseases. Last evaluated: 2025-07-09. Review status: criteria provided, single submitter. Criteria: Ambry Variant Classification Scheme 2023. Collection method: clinical testing. Allele origin: germline.
Comment: The p.S152N variant (also known as c.455G>A), located in coding exon 2 of the GATA2 gene, results from a G to A substitution at nucleotide position 455. The serine at codon 152 is replaced by asparagine, an amino acid with highly similar properties. This amino acid position is not well conserved in available vertebrate species. In addition, this alteration is predicted to be tolerated by in silico analysis. Based on the available evidence, the clinical significance of this variant remains unclear.

Labcorp Genetics (formerly Invitae), Labcorp
Classification: Uncertain significance for Monocytopenia with susceptibility to infections; Deafness-lymphedema-leukemia syndrome. Last evaluated: 2025-03-13. Review status: criteria provided, single submitter. Criteria: Invitae Variant Classification Sherloc (09022015). Collection method: clinical testing. Allele origin: germline.
Comment: This sequence change replaces serine, which is neutral and polar, with asparagine, which is neutral and polar, at codon 152 of the GATA2 protein (p.Ser152Asn). This variant is not present in population databases (gnomAD no frequency). This variant has not been reported in the literature in individuals affected with GATA2-related conditions. ClinVar contains an entry for this variant (Variation ID: 650486). Invitae Evidence Modeling of protein sequence and biophysical properties (such as structural, functional, and spatial information, amino acid conservation, physicochemical variation, residue mobility, and thermodynamic stability) indicates that this missense variant is not expected to disrupt GATA2 protein function with a negative predictive value of 95%. In summary, the available evidence is currently insufficient to determine the role of this variant in disease. Therefore, it has been classified as a Variant of Uncertain Significance.